The following is an entry in ClinVar:

ClinVar aggregate classification (germline): Likely benign. Review status: criteria provided, multiple submitters, no conflicts (2 of 4 stars). 5 submissions from 5 submitters: Likely benign (5). Last evaluated 2025-12-03.

Conditions:
Hereditary cancer-predisposing syndrome. Also called: Neoplastic Syndromes, Hereditary; Hereditary Cancer Syndrome; Tumor predisposition; Hereditary neoplastic syndrome. Identifiers: Orphanet 140162, MedGen C0027672, MeSH D009386, MONDO:0015356.
PTCH1-related disorder. Also called: PTCH1-related disorders; PTCH1-related condition.
Gorlin syndrome. Also called: Nevoid Basal Cell Carcinoma Syndrome; Basal cell nevus syndrome. Identifiers: Orphanet 377, MedGen C0004779, MONDO:0007187.

Allele frequency attached by ClinVar (database versions not stated): TOPMed 0.00003.
gnomAD v4.1: 9 of 1,564,224 alleles (0.00058%); highest among the groups gnomAD compares: Admixed American, 0.0019%; no homozygotes.

Submissions (5):

Labcorp Genetics (formerly Invitae), Labcorp
Classification: Likely benign for Gorlin syndrome. Last evaluated: 2025-12-03. Review status: criteria provided, single submitter. Criteria: Invitae Variant Classification Sherloc (09022015). Collection method: clinical testing. Allele origin: germline.

PreventionGenetics, part of Exact Sciences
Classification: Likely benign for PTCH1-related condition. Last evaluated: 2025-05-16. Review status: criteria provided, single submitter. Criteria: ACMG Guidelines, 2015. Collection method: clinical testing. Allele origin: germline.
Comment: This variant is classified as likely benign based on ACMG/AMP sequence variant interpretation guidelines (Richards et al. 2015 PMID: 25741868, with internal and published modifications).

CeGaT Center for Human Genetics Tuebingen
Classification: Likely benign. Last evaluated: 2024-03-01. Review status: criteria provided, single submitter. Criteria: CeGaT Center For Human Genetics Tuebingen Variant Classification Criteria Version 2. Collection method: clinical testing. Allele origin: germline. Affected: yes. Observed: 1 variant allele.
Comment: PTCH1: BP4, BP7

Blueprint Genetics
Classification: Likely benign. Last evaluated: 2023-01-11. Review status: criteria provided, single submitter. Criteria: ACMG Guidelines, 2015. Collection method: clinical testing. Allele origin: germline.

Ambry Genetics
Classification: Likely benign for Hereditary cancer-predisposing syndrome. Last evaluated: 2019-02-15. Review status: criteria provided, single submitter. Criteria: Ambry Variant Classification Scheme 2023. Collection method: clinical testing. Allele origin: germline.

NM_000264.5(PTCH1):c.3606C>G (p.Pro1202=)

Gene: PTCH1 (patched 1; minus strand). Cytogenetic location: 9q22.32.
Variant type: single nucleotide variant.
Coding change: c.3606C>G on transcript NM_000264.5 (MANE Select); coding-DNA position 3606, C replaced by G.
Protein change: p.Pro1202=; no amino-acid change (proline 1202 retained).
Molecular consequence: synonymous variant. On other transcripts: non-coding transcript variant (1).
Genome position (GRCh38, 1-based): chr9:95,449,267, G>C on the plus strand (C>G on the coding strand, the complement: PTCH1 is on the minus strand). VCF-style: chr9-95449267-G-C. GRCh37 (hg19) VCF-style: chr9-98211549-G-C.
Other names: c.3408C>G, p.Pro1136= (NM_001083602.3); c.3603C>G, p.Pro1201= (NM_001083603.3); c.3153C>G, p.Pro1051= (NM_001083604.3, NM_001083605.3, NM_001083606.3 and 1 more transcripts); c.3450C>G, p.Pro1150= (NM_001354918.2).
Identifiers: ClinVar variation 524636 (VCV000524636.39), dbSNP rs138240178, ClinGen allele CA466351775.